The following is an entry in ClinVar:

NM_181703.4(GJA5):c.304A>C (p.Met102Leu)

Gene: GJA5 (gap junction protein alpha 5; minus strand). Cytogenetic location: 1q21.2.
Variant type: single nucleotide variant.
Coding change: c.304A>C on transcript NM_181703.4 (MANE Select); coding-DNA position 304, A replaced by C.
Protein change: p.Met102Leu; replaces methionine 102 with leucine.
Molecular consequence: missense variant.
Genome position (GRCh38, 1-based): chr1:147,758,935, T>G on the plus strand (A>C on the coding strand, the complement: GJA5 is on the minus strand). VCF-style: chr1-147758935-T-G. GRCh37 (hg19) VCF-style: chr1-147231043-T-G.
Other names: c.304A>C, p.Met102Leu (NM_005266.7); short protein forms M102L.
Identifiers: ClinVar variation 2929745 (VCV002929745.3), dbSNP rs1285920774, ClinGen allele CA342397121.

ClinVar aggregate classification (germline): Uncertain significance (1 of 4 stars; one submission).

Conditions:
Atrial fibrillation, familial, 11 (ATFB11). Identifiers: MedGen C3279693, MONDO:0013544, OMIM 614049.
Atrial standstill 1 (ATRST1). Also called: Atrial standstill, digenic (GJA5/SCN5A); ATRIAL CARDIOMYOPATHY WITH HEART BLOCK; CARDIOMYOPATHY, FAMILIAL, WITH CONDUCTION DISTURBANCE. Identifiers: Orphanet 1344, MedGen C4551959, MONDO:0007171, OMIM 108770.

Allele frequency attached by ClinVar (database versions not stated): gnomAD 0.00001; gnomAD exomes 0.00001; TOPMed 0.00001.

Submission:

Labcorp Genetics (formerly Invitae), Labcorp
Classification: Uncertain significance for Atrial fibrillation, familial, 11; Atrial standstill 1. Last evaluated: 2023-07-14. Review status: criteria provided, single submitter. Criteria: Invitae Variant Classification Sherloc (09022015). Collection method: clinical testing. Allele origin: germline.
Comment: In summary, the available evidence is currently insufficient to determine the role of this variant in disease. Therefore, it has been classified as a Variant of Uncertain Significance. Advanced modeling of protein sequence and biophysical properties (such as structural, functional, and spatial information, amino acid conservation, physicochemical variation, residue mobility, and thermodynamic stability) performed at Invitae indicates that this missense variant is not expected to disrupt GJA5 protein function. This variant has not been reported in the literature in individuals affected with GJA5-related conditions. This variant is not present in population databases (gnomAD no frequency). This sequence change replaces methionine, which is neutral and non-polar, with leucine, which is neutral and non-polar, at codon 102 of the GJA5 protein (p.Met102Leu).